The following is an entry in ClinVar:

ClinVar aggregate classification (germline): Uncertain significance (1 of 4 stars; one submission).

Conditions:
Retinoblastoma (RB1). Also called: RETINOBLASTOMA, SOMATIC. Identifiers: Orphanet 790, MedGen C0035335, MeSH D012175, MONDO:0008380, OMIM 180200, HP:0009919. Disease mechanism: loss of function. Inheritance: Both sporadic and heritable forms are tested..

Submission:

Labcorp Genetics (formerly Invitae), Labcorp
Classification: Uncertain significance for Retinoblastoma. Last evaluated: 2024-10-21. Review status: criteria provided, single submitter. Criteria: Invitae Variant Classification Sherloc (09022015). Collection method: clinical testing. Allele origin: germline.
Comment: This sequence change replaces methionine, which is neutral and non-polar, with lysine, which is basic and polar, at codon 219 of the RB1 protein (p.Met219Lys). This variant is not present in population databases (gnomAD no frequency). This variant has not been reported in the literature in individuals affected with RB1-related conditions. ClinVar contains an entry for this variant (Variation ID: 933310). Invitae Evidence Modeling of protein sequence and biophysical properties (such as structural, functional, and spatial information, amino acid conservation, physicochemical variation, residue mobility, and thermodynamic stability) indicates that this missense variant is not expected to disrupt RB1 protein function with a negative predictive value of 80%. In summary, the available evidence is currently insufficient to determine the role of this variant in disease. Therefore, it has been classified as a Variant of Uncertain Significance.

NM_000321.3(RB1):c.656T>A (p.Met219Lys)

Gene: RB1 (RB transcriptional corepressor 1; plus strand). Cytogenetic location: 13q14.2.
Variant type: single nucleotide variant.
Coding change: c.656T>A on transcript NM_000321.3 (MANE Select); coding-DNA position 656, T replaced by A.
Protein change: p.Met219Lys; replaces methionine 219 with lysine.
Molecular consequence: missense variant.
Genome position (GRCh38, 1-based): chr13:48,360,065, T>A. VCF-style: chr13-48360065-T-A. GRCh37 (hg19) VCF-style: chr13-48934201-T-A.
Other names: short protein forms M219K.
Identifiers: ClinVar variation 933310 (VCV000933310.9), dbSNP rs1952625561, ClinGen allele CA388158314.
Genomic context (GRCh38, chr13:48,360,065, plus strand): 5'-TTTTTTTTTCAGGGGAAGTATTACAAATGGAAGATGATCTGGTGATTTCATTTCAGTTAA[T>A]GCTATGTGTCCTTGACTATTTTATTAAACTCTCACCTCCCATGTTGCTCAAAGAACCATA-3'
Protein context (NP_000312.2, residues 209-229): EDDLVISFQL[Met219Lys]LCVLDYFIKL